The following is an entry in ClinVar:

NM_001690.4(ATP6V1A):c.321G>A (p.Ser107=)

Gene: ATP6V1A (ATPase H+ transporting V1 subunit A; plus strand). Cytogenetic location: 3q13.31.
Variant type: single nucleotide variant.
Coding change: c.321G>A on transcript NM_001690.4 (MANE Select); coding-DNA position 321, G replaced by A.
Protein change: p.Ser107=; no amino-acid change (serine 107 retained).
Molecular consequence: synonymous variant.
Genome position (GRCh38, 1-based): chr3:113,784,333, G>A. VCF-style: chr3-113784333-G-A. GRCh37 (hg19) VCF-style: chr3-113503180-G-A.
Other names: c.321G>A (NM_001690.3).
Identifiers: ClinVar variation 2185114 (VCV002185114.30), dbSNP rs145564764, ClinGen allele CA2547807.
Genomic context (GRCh38, chr3:113,784,333, plus strand): 5'-TGTAGAGCTTGGTCCTGGCATTATGGGAGCCATTTTTGATGGTATTCAAAGACCTTTGTC[G>A]GATATCAGCAGTCAGACCCAAAGCATCTACATCCCCAGAGGAGTAAACGTGTCTGCTCTT-3'
Protein context (NP_001681.2, residues 97-117): AIFDGIQRPL[Ser107=]DISSQTQSIY

ClinVar aggregate classification (germline): Likely benign. Review status: criteria provided, multiple submitters, no conflicts (2 of 4 stars). 4 submissions from 4 submitters: Likely benign (3). 1 of the submissions does not count toward it. Last evaluated 2026-09-01.

Conditions:
ATP6V1A-related disorder. Also called: ATP6V1A-related condition.

Allele frequency attached by ClinVar (database versions not stated): gnomAD 0.00005; TOPMed 0.00008; ExAC 0.00015; ESP Exome Variant Server 0.00015.
gnomAD v4.1: 88 of 1,614,008 alleles (0.0055%); highest among the groups gnomAD compares: African/African-American, 0.0093%; no homozygotes.

Submissions (4):

CeGaT Center for Human Genetics Tuebingen
Classification: Likely benign. Last evaluated: 2026-09-01. Review status: criteria provided, single submitter. Criteria: CeGaT Center For Human Genetics Tuebingen Variant Classification Criteria Version 2. Collection method: clinical testing. Allele origin: germline. Affected: yes. Observed: 2 variant alleles.
Comment: ATP6V1A: BP4, BP7

Labcorp Genetics (formerly Invitae), Labcorp
Classification: Likely benign. Last evaluated: 2025-12-30. Review status: criteria provided, single submitter. Criteria: Invitae Variant Classification Sherloc (09022015). Collection method: clinical testing. Allele origin: germline.

Blueprint Genetics
Classification: Likely benign. Last evaluated: 2024-11-13. Review status: criteria provided, single submitter. Criteria: ACMG Guidelines, 2015. Collection method: clinical testing. Allele origin: germline.

PreventionGenetics, part of Exact Sciences
Classification: Likely benign for ATP6V1A-related condition. Last evaluated: 2023-09-22. Review status: no assertion criteria provided. Collection method: clinical testing. Allele origin: germline. Not counted in ClinVar's aggregate classification.
Comment: This variant is classified as likely benign based on ACMG/AMP sequence variant interpretation guidelines (Richards et al. 2015 PMID: 25741868, with internal and published modifications).